The following is an entry in ClinVar:

ClinVar aggregate classification (germline): Conflicting classifications of pathogenicity. Review status: criteria provided, conflicting classifications (1 of 4 stars). 2 submissions from 2 submitters: Uncertain significance (1); Likely benign (1). Last evaluated 2025-09-21.

Conditions:
Hereditary cancer-predisposing syndrome. Also called: Neoplastic Syndromes, Hereditary; Hereditary Cancer Syndrome; Tumor predisposition; Hereditary neoplastic syndrome. Identifiers: Orphanet 140162, MedGen C0027672, MeSH D009386, MONDO:0015356.

Allele frequency attached by ClinVar (database versions not stated): gnomAD 0.00001; TOPMed 0.00001.
gnomAD v4.1: 12 of 1,614,072 alleles (0.00074%); highest among the groups gnomAD compares: Admixed American, 0.0017%; no homozygotes.

Submissions (2):

Labcorp Genetics (formerly Invitae), Labcorp
Classification: Uncertain significance. Last evaluated: 2025-09-21. Review status: criteria provided, single submitter. Criteria: Invitae Variant Classification Sherloc (09022015). Collection method: clinical testing. Allele origin: germline.
Comment: This sequence change replaces arginine, which is basic and polar, with glutamine, which is neutral and polar, at codon 47 of the POLE protein (p.Arg47Gln). This variant is not present in population databases (gnomAD no frequency). This variant has not been reported in the literature in individuals affected with POLE-related conditions. ClinVar contains an entry for this variant (Variation ID: 582758). Invitae Evidence Modeling of protein sequence and biophysical properties (such as structural, functional, and spatial information, amino acid conservation, physicochemical variation, residue mobility, and thermodynamic stability) indicates that this missense variant is not expected to disrupt POLE protein function with a negative predictive value of 80%. In summary, the available evidence is currently insufficient to determine the role of this variant in disease. Therefore, it has been classified as a Variant of Uncertain Significance.

Ambry Genetics
Classification: Likely benign for Hereditary cancer-predisposing syndrome. Last evaluated: 2025-03-05. Review status: criteria provided, single submitter. Criteria: Ambry Variant Classification Scheme 2023. Collection method: clinical testing. Allele origin: germline.

NM_006231.4(POLE):c.140G>A (p.Arg47Gln)

Gene: POLE (DNA polymerase epsilon, catalytic subunit; minus strand). Cytogenetic location: 12q24.33.
Variant type: single nucleotide variant.
Coding change: c.140G>A on transcript NM_006231.4 (MANE Select); coding-DNA position 140, G replaced by A.
Protein change: p.Arg47Gln; replaces arginine 47 with glutamine.
Molecular consequence: missense variant.
Genome position (GRCh38, 1-based): chr12:132,681,202, C>T on the plus strand (G>A on the coding strand, the complement: POLE is on the minus strand). VCF-style: chr12-132681202-C-T. GRCh37 (hg19) VCF-style: chr12-133257788-C-T.
Other names: c.140G>A (NM_006231.2); short protein forms R47Q.
Identifiers: ClinVar variation 582758 (VCV000582758.11), dbSNP rs1161199196, ClinGen allele CA387370078.